The following is an entry in ClinVar:

NM_001170754.2(CIROZ):c.2194C>T (p.Arg732Ter)

Gene: CIROZ (ciliated left-right organizer protein containing ZP-N domains; minus strand). Cytogenetic location: 1p36.22.
Variant type: single nucleotide variant.
Coding change: c.2194C>T on transcript NM_001170754.2 (MANE Select); coding-DNA position 2194, C replaced by T.
Protein change: p.Arg732Ter; replaces arginine 732 with a stop codon.
Molecular consequence: nonsense.
Genome position (GRCh38, 1-based): chr1:10,947,941, G>A on the plus strand (C>T on the coding strand, the complement: CIROZ is on the minus strand). VCF-style: chr1-10947941-G-A. GRCh37 (hg19) VCF-style: chr1-11007998-G-A.
Other names: c.1777C>T, p.Arg593Ter (NM_001366227.2); short protein forms R593*, R732*.
Identifiers: ClinVar variation 4850616 (VCV004850616.1).
Genomic context (GRCh38, chr1:10,947,941, plus strand): 5'-TGTGTGCAACCCCCCACTCCTCCTGGCCCACAGGCCAGCCAGGGGCTGACTCCAGGTATC[G>A]GGCCTGGTCTGGCCCTCCCACAGATGAGGCTTCGGGTGTCAGAAGAGCTGCTGGGCGAAC-3'

ClinVar aggregate classification (germline): Likely pathogenic (1 of 4 stars; one submission).

Conditions:
Heterotaxy, visceral, 14, autosomal. Identifiers: MedGen C5975611, MONDO:0976135, OMIM 621080.

gnomAD v4.1: 45 of 1,613,608 alleles (0.0028%); highest among the groups gnomAD compares: East Asian, 0.033%; no homozygotes.

Submission:

First Genomix Gene Laboratory, Genetic Diagnostics Department
Classification: Likely pathogenic for Heterotaxy, visceral, 14, autosomal. Last evaluated: 2025-12-28. Review status: criteria provided, single submitter. Criteria: ACMG Guidelines, 2015. Collection method: clinical testing. Allele origin: germline. Inheritance: Autosomal recessive inheritance. Affected: no. Observed: 1 variant allele.